The following is an entry in ClinVar:

ClinVar aggregate classification (germline): Uncertain significance. Review status: criteria provided, multiple submitters, no conflicts (2 of 4 stars). 2 submissions from 2 submitters: Uncertain significance (2). Last evaluated 2025-12-01.

Conditions:
Idiopathic generalized epilepsy. Also called: EIG; Generalised epilepsy. Identifiers: MedGen C0270850, MONDO:0005579, OMIM 600669.
Hyperaldosteronism, familial, type IV (HALD4). Also called: FH IV; ALDOSTERONISM, PRIMARY, AND HYPERTENSION. Identifiers: Orphanet 642671, MedGen C4310756, MONDO:0014875, OMIM 617027.
Inborn genetic diseases. Identifiers: MedGen C0950123, MeSH D030342.

Allele frequency attached by ClinVar (database versions not stated): gnomAD exomes 0.00004; ExAC 0.00004; TOPMed 0.00001; gnomAD 0.00002.
gnomAD v4.1: 78 of 1,611,168 alleles (0.0048%); highest among the groups gnomAD compares: East Asian, 0.17%; no homozygotes.

Submissions (2):

Labcorp Genetics (formerly Invitae), Labcorp
Classification: Uncertain significance for Idiopathic generalized epilepsy; Hyperaldosteronism, familial, type IV. Last evaluated: 2025-12-01. Review status: criteria provided, single submitter. Criteria: Invitae Variant Classification Sherloc (09022015). Collection method: clinical testing. Allele origin: germline.
Comment: This sequence change replaces glutamic acid, which is acidic and polar, with glutamine, which is neutral and polar, at codon 1574 of the CACNA1H protein (p.Glu1574Gln). This variant is present in population databases (rs781126604, gnomAD 0.05%). This missense change has been observed in individual(s) with epilepsy (PMID: 34098317). ClinVar contains an entry for this variant (Variation ID: 575541). Invitae Evidence Modeling of protein sequence and biophysical properties (such as structural, functional, and spatial information, amino acid conservation, physicochemical variation, residue mobility, and thermodynamic stability) indicates that this missense variant is expected to disrupt CACNA1H protein function with a positive predictive value of 80%. In summary, the available evidence is currently insufficient to determine the role of this variant in disease. Therefore, it has been classified as a Variant of Uncertain Significance.

Ambry Genetics
Classification: Uncertain significance for Inborn genetic diseases. Last evaluated: 2024-07-05. Review status: criteria provided, single submitter. Criteria: Ambry Variant Classification Scheme 2023. Collection method: clinical testing. Allele origin: germline.

Literature cited by the submitters: PubMed 34098317 (cited by Labcorp Genetics (formerly Invitae), Labcorp).

NM_021098.3(CACNA1H):c.4720G>C (p.Glu1574Gln)

Gene: CACNA1H (calcium voltage-gated channel subunit alpha1 H; plus strand). Cytogenetic location: 16p13.3.
Variant type: single nucleotide variant.
Coding change: c.4720G>C on transcript NM_021098.3 (MANE Select); coding-DNA position 4720, G replaced by C.
Protein change: p.Glu1574Gln; replaces glutamic acid 1574 with glutamine.
Molecular consequence: missense variant.
Genome position (GRCh38, 1-based): chr16:1,212,099, G>C. VCF-style: chr16-1212099-G-C. GRCh37 (hg19) VCF-style: chr16-1262099-G-C.
Other names: c.4720G>C, p.Glu1574Gln (NM_001005407.2); short protein forms E1574Q.
Identifiers: ClinVar variation 575541 (VCV000575541.9), dbSNP rs781126604, ClinGen allele CA7801501.